The following is an entry in ClinVar:

ClinVar aggregate classification (germline): Uncertain significance (1 of 4 stars; one submission).

Conditions:
PLXNA2-related disorder. Also called: PLXNA2-related condition.

gnomAD v4.1: 1 of 1,613,704 alleles (0.000062%); highest among the groups gnomAD compares: African/African-American, 0.0013%; no homozygotes.

Submission:

PreventionGenetics, part of Exact Sciences
Classification: Uncertain significance for PLXNA2-related condition. Last evaluated: 2025-10-28. Review status: criteria provided, single submitter. Criteria: ACMG Guidelines, 2015. Collection method: clinical testing. Allele origin: germline.
Comment: The PLXNA2 c.4511G>C variant is predicted to result in the amino acid substitution p.Cys1504Ser. To our knowledge, this variant has not been reported in the literature or in a large population database (gnomAD), indicating this variant is rare. At this time, the clinical significance of this variant is uncertain due to the absence of conclusive functional and genetic evidence.

NM_025179.4(PLXNA2):c.4511G>C (p.Cys1504Ser)

Gene: PLXNA2 (plexin A2; minus strand). Cytogenetic location: 1q32.2.
Variant type: single nucleotide variant.
Coding change: c.4511G>C on transcript NM_025179.4 (MANE Select); coding-DNA position 4511, G replaced by C.
Protein change: p.Cys1504Ser; replaces cysteine 1504 with serine.
Molecular consequence: missense variant.
Genome position (GRCh38, 1-based): chr1:208,038,974, C>G on the plus strand (G>C on the coding strand, the complement: PLXNA2 is on the minus strand). VCF-style: chr1-208038974-C-G. GRCh37 (hg19) VCF-style: chr1-208212319-C-G.
Other names: short protein forms C1504S.
Identifiers: ClinVar variation 4986218 (VCV004986218.1).
Genomic context (GRCh38, chr1:208,038,974, plus strand): 5'-GTGTCACAGTTTAACACCTTCACTGGGATCTCTGGACTGTTCTCGTTGTCAGGGTTGACG[C>G]AGTTCAGGATCTACAAGTAGGGGACAGAGGGTGAGCAGGACAGGAGTTGAAGGAGTAGTT-3'
Protein context (NP_079455.3, residues 1494-1514): QIEYKTLILN[Cys1504Ser]VNPDNENSPE